The following is an entry in ClinVar:

ClinVar aggregate classification (germline): Uncertain significance. Review status: criteria provided, multiple submitters, no conflicts (2 of 4 stars). 2 submissions from 2 submitters: Uncertain significance (2). Last evaluated 2024-10-24.

Conditions:
Neuropathy, hereditary sensory and autonomic, type 2A (HSAN2A). Also called: HSAN IIA; WNK1-Related HSAN2 (HSAN2A); ACROOSTEOLYSIS, GIACCAI TYPE; ACROOSTEOLYSIS, NEUROGENIC; MORVAN DISEASE; NEUROPATHY, CONGENITAL SENSORY. Identifiers: Orphanet 970, MedGen C2752089, MONDO:0024309, OMIM 201300.
Generalized epilepsy with febrile seizures plus, type 7 (GEFSP7). Also called: GEFS+, TYPE 7. Identifiers: Orphanet 36387, MedGen C2751778, MONDO:0013470, OMIM 613863.
Inborn genetic diseases. Identifiers: MedGen C0950123, MeSH D030342.

gnomAD v4.1: 3 of 1,614,166 alleles (0.00019%); highest among the groups gnomAD compares: African/African-American, 0.0013%; no homozygotes.

Submissions (2):

Ambry Genetics
Classification: Uncertain significance for Inborn genetic diseases. Last evaluated: 2024-10-24. Review status: criteria provided, single submitter. Criteria: Ambry Variant Classification Scheme 2023. Collection method: clinical testing. Allele origin: germline.

Labcorp Genetics (formerly Invitae), Labcorp
Classification: Uncertain significance for Neuropathy, hereditary sensory and autonomic, type 2A; Generalized epilepsy with febrile seizures plus, type 7. Last evaluated: 2024-09-17. Review status: criteria provided, single submitter. Criteria: Invitae Variant Classification Sherloc (09022015). Collection method: clinical testing. Allele origin: germline.
Comment: This sequence change replaces isoleucine, which is neutral and non-polar, with threonine, which is neutral and polar, at codon 1649 of the SCN9A protein (p.Ile1649Thr). This variant is not present in population databases (gnomAD no frequency). This variant has not been reported in the literature in individuals affected with SCN9A-related conditions. Invitae Evidence Modeling of protein sequence and biophysical properties (such as structural, functional, and spatial information, amino acid conservation, physicochemical variation, residue mobility, and thermodynamic stability) has been performed for this missense variant. However, the output from this modeling did not meet the statistical confidence thresholds required to predict the impact of this variant on SCN9A protein function. In summary, the available evidence is currently insufficient to determine the role of this variant in disease. Therefore, it has been classified as a Variant of Uncertain Significance.

NM_001365536.1(SCN9A):c.4979T>C (p.Ile1660Thr)

Genes: SCN1A-AS1 (SCN1A and SCN9A antisense RNA 1; plus strand), SCN9A (sodium voltage-gated channel alpha subunit 9; minus strand). Cytogenetic location: 2q24.3.
Variant type: single nucleotide variant.
Coding change: c.4979T>C on transcript NM_001365536.1 (MANE Select); coding-DNA position 4979, T replaced by C.
Protein change: p.Ile1660Thr; replaces isoleucine 1660 with threonine.
Molecular consequence: missense variant. On other transcripts: non-coding transcript variant (1).
Genome position (GRCh38, 1-based): chr2:166,199,660, A>G on the plus strand (T>C on the coding strand, the complement: SCN9A is on the minus strand). VCF-style: chr2-166199660-A-G. GRCh37 (hg19) VCF-style: chr2-167056170-A-G.
Other names: c.4946T>C, p.Ile1649Thr (NM_002977.4); short protein forms I1649T, I1660T.
Identifiers: ClinVar variation 3438346 (VCV003438346.3).